The following is an entry in ClinVar:

NM_020738.4(KIDINS220):c.4138C>G (p.Gln1380Glu)

Gene: KIDINS220 (kinase D interacting substrate 220; minus strand). Cytogenetic location: 2p25.1.
Variant type: single nucleotide variant.
Coding change: c.4138C>G on transcript NM_020738.4 (MANE Select); coding-DNA position 4138, C replaced by G.
Protein change: p.Gln1380Glu; replaces glutamine 1380 with glutamic acid.
Molecular consequence: missense variant. On other transcripts: intron variant (6).
Genome position (GRCh38, 1-based): chr2:8,731,898, G>C on the plus strand (C>G on the coding strand, the complement: KIDINS220 is on the minus strand). VCF-style: chr2-8731898-G-C. GRCh37 (hg19) VCF-style: chr2-8872028-G-C.
Other names: c.3882+1546C>G (NM_001348741.2, NM_001348742.2, NM_001348743.2); c.3996+1546C>G (NM_001348738.2); c.3885+1546C>G (NM_001348739.2, NM_001348740.2); c.4141C>G, p.Gln1381Glu (NM_001348729.2); c.4084C>G, p.Gln1362Glu (NM_001348731.2); c.4081C>G, p.Gln1361Glu (NM_001348732.2); c.3970C>G, p.Gln1324Glu (NM_001348734.2); c.3967C>G, p.Gln1323Glu (NM_001348735.2); and 1 more; short protein forms Q1281E, Q1323E, Q1324E, Q1361E, Q1362E, Q1380E, Q1381E.
Identifiers: ClinVar variation 5019215 (VCV005019215.2).
Genomic context (GRCh38, chr2:8,731,898, plus strand): 5'-CCCCTTCTAACTGGGACATCTGAGCAATGTATTCTCTATAGGCATCTCTATACTCGGCCT[G>C]CACCTTATCAGTAAGCTTTGAAATTTCAATACTGGAATCCTGGGAATTGAGACTCGAAAG-3'
Protein context (NP_065789.1, residues 1370-1390): IEISKLTDKV[Gln1380Glu]AEYRDAYREY

ClinVar aggregate classification (germline): Uncertain significance (1 of 4 stars; one submission).

Conditions:
Ventriculomegaly and arthrogryposis. Identifiers: MedGen C5561973, MONDO:0859184, OMIM 619501.

Submission:

Juno Genomics, Hangzhou Juno Genomics, Inc
Classification: Uncertain significance for Ventriculomegaly and arthrogryposis. Review status: criteria provided, single submitter. Criteria: ACMG Guidelines, 2015. Collection method: clinical testing. Allele origin: germline.
Comment: Absent from controls (or at extremely low frequency if recessive) in Genome Aggregation Database.;Missense variant in a gene that has a low rate of benign missense variation.